The following is an entry in ClinVar:

ClinVar aggregate classification (germline): Uncertain significance (1 of 4 stars; one submission).

gnomAD v4.1: 4 of 1,613,960 alleles (0.00025%); highest among the groups gnomAD compares: South Asian, 0.0044%; no homozygotes.

Submission:

Labcorp Genetics (formerly Invitae), Labcorp
Classification: Uncertain significance. Last evaluated: 2025-02-26. Review status: criteria provided, single submitter. Criteria: Invitae Variant Classification Sherloc (09022015). Collection method: clinical testing. Allele origin: germline.
Comment: This sequence change replaces lysine, which is basic and polar, with threonine, which is neutral and polar, at codon 1279 of the COL4A3 protein (p.Lys1279Thr). This variant is present in population databases (rs776291901, gnomAD 0.006%). This variant has not been reported in the literature in individuals affected with COL4A3-related conditions. Invitae Evidence Modeling of protein sequence and biophysical properties (such as structural, functional, and spatial information, amino acid conservation, physicochemical variation, residue mobility, and thermodynamic stability) indicates that this missense variant is not expected to disrupt COL4A3 protein function with a negative predictive value of 95%. In summary, the available evidence is currently insufficient to determine the role of this variant in disease. Therefore, it has been classified as a Variant of Uncertain Significance.

NM_000091.5(COL4A3):c.3836A>C (p.Lys1279Thr)

Genes: COL4A3 (collagen type IV alpha 3 chain; plus strand), MFF-DT (MFF divergent transcript; minus strand). Cytogenetic location: 2q36.3.
Variant type: single nucleotide variant.
Coding change: c.3836A>C on transcript NM_000091.5 (MANE Select); coding-DNA position 3836, A replaced by C.
Protein change: p.Lys1279Thr; replaces lysine 1279 with threonine.
Molecular consequence: missense variant.
Genome position (GRCh38, 1-based): chr2:227,298,766, A>C. VCF-style: chr2-227298766-A-C. GRCh37 (hg19) VCF-style: chr2-228163482-A-C.
Other names: short protein forms K1279T.
Identifiers: ClinVar variation 3610602 (VCV003610602.2).
Genomic context (GRCh38, chr2:227,298,766, plus strand): 5'-CAGGGAGTCATGTAATAGGCATAAAAGGAGACAAAGGGTCTATGGGCCACCCTGGCCCAA[A>C]AGGTCCACCTGGAACTGCAGGAGACATGGGACCACCAGGTCGTCTGGTGAGTATGGATAA-3'
Protein context (NP_000082.2, residues 1269-1289): DKGSMGHPGP[Lys1279Thr]GPPGTAGDMG